The following is an entry in ClinVar:

ClinVar aggregate classification (germline): Conflicting classifications of pathogenicity. Review status: criteria provided, conflicting classifications (1 of 4 stars). 6 submissions from 2 submitters: Uncertain significance (1); Benign (4); Likely benign (1). Last evaluated 2026-01-06.

Conditions:
Congenital myasthenic syndrome 16. Identifiers: Orphanet 590, MedGen C3280112, MONDO:0013620, OMIM 614198.
Paramyotonia congenita of Von Eulenburg. Also called: Paramyotonia Congenita; PARALYSIS PERIODICA PARAMYOTONICA; Eulenburg disease; Myotonia congenita intermittens; Von Eulenburg paramyotonia congenita. Identifiers: Orphanet 684, MedGen C0221055, MONDO:0008195, OMIM 168300. Disease mechanism: loss of function.
Potassium-aggravated myotonia. Also called: Myotonia congenita, atypical, acetazolamide-responsive; MYOTONIA CONGENITA, ACETAZOLAMIDE-RESPONSIVE; MYOTONIA CONGENITA, ATYPICAL; SODIUM CHANNEL MUSCLE DISEASE. Identifiers: Orphanet 612, Orphanet 99734, Orphanet 99735, Orphanet 99736, MedGen C2931826, MONDO:0018959, OMIM 608390.
Hypokalemic periodic paralysis, type 2 (HOKPP2). Identifiers: Orphanet 681, MedGen C2750061, MONDO:0013234, OMIM 613345.
Hyperkalemic periodic paralysis. Also called: Familial hyperkalemic periodic paralysis; Gamstorp disease. Identifiers: Orphanet 682, MedGen C0238357, MONDO:0008224, OMIM 170500, HP:0007215.

Allele frequency attached by ClinVar (database versions not stated): gnomAD exomes 0.00004; gnomAD 0.00008 and 0.00007; ExAC 0.00005; ESP Exome Variant Server 0.00008; TOPMed 0.00013.
gnomAD v4.1: 70 of 1,607,228 alleles (0.0044%); highest among the groups gnomAD compares: African/African-American, 0.017%; no homozygotes.

Submissions (6):

Labcorp Genetics (formerly Invitae), Labcorp
Classification: Likely benign for Hyperkalemic periodic paralysis. Last evaluated: 2026-01-06. Review status: criteria provided, single submitter. Criteria: Invitae Variant Classification Sherloc (09022015). Collection method: clinical testing. Allele origin: germline.

Illumina Laboratory Services, Illumina
Classification: Benign for Hyperkalemic periodic paralysis. Last evaluated: 2018-01-12. Review status: criteria provided, single submitter. Criteria: ICSL Variant Classification Criteria 13 December 2019. Collection method: clinical testing. Allele origin: germline.
Comment: This variant was observed in the ICSL laboratory as part of a predisposition screen in an ostensibly healthy population. It had not been previously curated by ICSL or reported in the Human Gene Mutation Database (HGMD: prior to June 1st, 2018), and was therefore a candidate for classification through an automated scoring system. Utilizing variant allele frequency, disease prevalence and penetrance estimates, and inheritance mode, an automated score was calculated to assess if this variant is too frequent to cause the disease. Based on the score and internal cut-off values, a variant classified as benign is not then subjected to further curation. The score for this variant resulted in a classification of benign for this disease.

Illumina Laboratory Services, Illumina
Classification: Benign for Paramyotonia congenita of Von Eulenburg. Last evaluated: 2018-01-12. Review status: criteria provided, single submitter. Criteria: ICSL Variant Classification Criteria 13 December 2019. Collection method: clinical testing. Allele origin: germline.
Comment: the same text as in the submission from Illumina Laboratory Services, Illumina above.

Illumina Laboratory Services, Illumina
Classification: Benign for Hypokalemic periodic paralysis, type 2. Last evaluated: 2018-01-12. Review status: criteria provided, single submitter. Criteria: ICSL Variant Classification Criteria 13 December 2019. Collection method: clinical testing. Allele origin: germline.
Comment: the same text as in the submission from Illumina Laboratory Services, Illumina above.

Illumina Laboratory Services, Illumina
Classification: Uncertain significance for Congenital myasthenic syndrome 16. Last evaluated: 2018-01-12. Review status: criteria provided, single submitter. Criteria: ICSL Variant Classification Criteria 13 December 2019. Collection method: clinical testing. Allele origin: germline.

Illumina Laboratory Services, Illumina
Classification: Benign for Potassium-aggravated myotonia. Last evaluated: 2018-01-12. Review status: criteria provided, single submitter. Criteria: ICSL Variant Classification Criteria 13 December 2019. Collection method: clinical testing. Allele origin: germline.
Comment: the same text as in the submission from Illumina Laboratory Services, Illumina above.

NM_000334.4(SCN4A):c.2862G>A (p.Pro954=)

Genes: GH-LCR (growth hormone locus control region; plus strand), SCN4A (sodium voltage-gated channel alpha subunit 4; minus strand). Cytogenetic location: 17q23.3.
Variant type: single nucleotide variant.
Coding change: c.2862G>A on transcript NM_000334.4 (MANE Select); coding-DNA position 2862, G replaced by A.
Protein change: p.Pro954=; no amino-acid change (proline 954 retained).
Molecular consequence: synonymous variant.
Genome position (GRCh38, 1-based): chr17:63,949,520, C>T on the plus strand (G>A on the coding strand, the complement: SCN4A is on the minus strand). VCF-style: chr17-63949520-C-T. GRCh37 (hg19) VCF-style: chr17-62026880-C-T.
Identifiers: ClinVar variation 324526 (VCV000324526.6), dbSNP rs375375167, ClinGen allele CA8709459.